The following is an entry in ClinVar:

NM_003000.3(SDHB):c.146C>T (p.Pro49Leu)

Gene: SDHB (succinate dehydrogenase complex iron sulfur subunit B; minus strand). Cytogenetic location: 1p36.13.
Variant type: single nucleotide variant.
Coding change: c.146C>T on transcript NM_003000.3 (MANE Select); coding-DNA position 146, C replaced by T.
Protein change: p.Pro49Leu; replaces proline 49 with leucine.
Molecular consequence: missense variant.
Genome position (GRCh38, 1-based): chr1:17,044,815, G>A on the plus strand (C>T on the coding strand, the complement: SDHB is on the minus strand). VCF-style: chr1-17044815-G-A. GRCh37 (hg19) VCF-style: chr1-17371310-G-A.
Other names: short protein forms P49L.
Identifiers: ClinVar variation 960923 (VCV000960923.8), dbSNP rs2078100131, ClinGen allele CA338228009.
Genomic context (GRCh38, chr1:17,044,815, plus strand): 5'-ACTCACTTATTAAGGTCAACTTCATAAGTCTGCATATGAGGTTTGTCTCCAGCCTTGTCT[G>A]GGTCCCATCGATAGATGGCAAATTTCTTGATACGGGGAGCTGTGGCTGCAGCTGTCTGGG-3'
Protein context (NP_002991.2, residues 39-59): IKKFAIYRWD[Pro49Leu]DKAGDKPHMQ

ClinVar aggregate classification (germline): Uncertain significance. Review status: criteria provided, multiple submitters, no conflicts (2 of 4 stars). 2 submissions from 2 submitters: Uncertain significance (2). Last evaluated 2023-05-31.

Conditions:
Gastrointestinal stromal tumor. Also called: Gastrointestinal stromal tumor, somatic; Gastrointestinal stroma tumor. Identifiers: Orphanet 44890, MedGen C0238198, MeSH D046152, MONDO:0011719, OMIM 606764, HP:0100723.
Pheochromocytoma/paraganglioma syndrome 4. Also called: CAROTID BODY TUMORS AND MULTIPLE EXTRAADRENAL PHEOCHROMOCYTOMAS; SDHB-Related Hereditary Paraganglioma-Pheochromocytoma Syndrome; Paragangliomas 4; SDHB-Related Hereditary Paraganglioma-Pheochromocytoma Syndrome (Paragangliomas 4); PARAGANGLIOMA, FAMILIAL MALIGNANT; PARAGANGLIOMAS, HEREDITARY EXTRAADRENAL. Identifiers: Orphanet 29072, MedGen C1861848, MONDO:0007273, OMIM 115310.
Pheochromocytoma. Also called: MAX-Related Hereditary Paraganglioma-Pheochromocytoma Syndrome. Identifiers: Orphanet 29072, MedGen C0031511, MONDO:0008233, OMIM 171300, HP:0002666.
Hereditary pheochromocytoma and paraganglioma. Also called: Hereditary pheochromocytoma-paraganglioma; Hereditary Paraganglioma-Pheochromocytoma Syndromes; Hereditary paragangliomas and pheochromocytomas. Identifiers: Orphanet 29072, MedGen C4274332, MONDO:0017366.

Submissions (2):

All of Us Research Program, National Institutes of Health
Classification: Uncertain significance for Hereditary pheochromocytoma and paraganglioma. Last evaluated: 2023-05-31. Review status: criteria provided, single submitter. Criteria: ACMG Guidelines, 2015. Collection method: clinical testing. Allele origin: germline. Inheritance: Autosomal dominant inheritance. Observed: 1 variant allele, 1 heterozygote.
Comment: This study involves interpretation of variants in research participants for the purpose of population health screening. Participant phenotype was not available at the time of variant classification. Additional details can be found in publication PMID: 35346344, PMCID: PMC8962531

Labcorp Genetics (formerly Invitae), Labcorp
Classification: Uncertain significance for Gastrointestinal stromal tumor; Pheochromocytoma/paraganglioma syndrome 4; Pheochromocytoma. Last evaluated: 2019-08-31. Review status: criteria provided, single submitter. Criteria: Invitae Variant Classification Sherloc (09022015). Collection method: clinical testing. Allele origin: germline.
Comment: In summary, the available evidence is currently insufficient to determine the role of this variant in disease. Therefore, it has been classified as a Variant of Uncertain Significance. Algorithms developed to predict the effect of missense changes on protein structure and function (SIFT, PolyPhen-2, Align-GVGD) all suggest that this variant is likely to be disruptive, but these predictions have not been confirmed by published functional studies and their clinical significance is uncertain. This variant has not been reported in the literature in individuals with SDHB-related conditions. This variant is not present in population databases (ExAC no frequency). This sequence change replaces proline with leucine at codon 49 of the SDHB protein (p.Pro49Leu). The proline residue is highly conserved and there is a moderate physicochemical difference between proline and leucine.